The following is an entry in ClinVar:

NM_000784.4(CYP27A1):c.203T>G (p.Phe68Cys)

Gene: CYP27A1 (cytochrome P450 family 27 subfamily A member 1; plus strand). Cytogenetic location: 2q35.
Variant type: single nucleotide variant.
Coding change: c.203T>G on transcript NM_000784.4 (MANE Select); coding-DNA position 203, T replaced by G.
Protein change: p.Phe68Cys; replaces phenylalanine 68 with cysteine.
Molecular consequence: missense variant.
Genome position (GRCh38, 1-based): chr2:218,782,385, T>G. VCF-style: chr2-218782385-T-G. GRCh37 (hg19) VCF-style: chr2-219647108-T-G.
Other names: short protein forms F68C.
Identifiers: ClinVar variation 128883 (VCV000128883.9), dbSNP rs587780327, ClinGen allele CA231067.

ClinVar aggregate classification (germline): Uncertain significance. Review status: criteria provided, multiple submitters, no conflicts (2 of 4 stars). 4 submissions from 4 submitters: Uncertain significance (3). 1 of the submissions does not count toward it. Last evaluated 2023-11-08.

Conditions:
Cholestanol storage disease (CTX). Also called: Cerebrotendinous Xanthomatosis; CEREBRAL CHOLESTERINOSIS; CTX: Cerebrotendinous xanthomatosis. Identifiers: Orphanet 909, MedGen C0238052, MONDO:0008948, OMIM 213700.

Allele frequency attached by ClinVar (database versions not stated): gnomAD exomes below 0.00001 and 0.00002; gnomAD 0.00001; TOPMed 0.00002.
gnomAD v4.1: 35 of 1,614,004 alleles (0.0022%); highest among the groups gnomAD compares: East Asian, 0.038%; no homozygotes.

Submissions (4):

Women's Health and Genetics/Laboratory Corporation of America, LabCorp
Classification: Uncertain significance. Last evaluated: 2023-11-08. Review status: criteria provided, single submitter. Criteria: LabCorp Variant Classification Summary - May 2015. Collection method: clinical testing. Allele origin: germline.
Comment: Variant summary: CYP27A1 c.203T>G (p.Phe68Cys) results in a non-conservative amino acid change in the encoded protein sequence. Three of five in-silico tools predict a benign effect of the variant on protein function. The variant allele was found at a frequency of 4e-06 in 251328 control chromosomes. The available data on variant occurrences in the general population are insufficient to allow any conclusion about variant significance. To our knowledge, c.203T>G has not been reported in the literature in individuals affected with Cerebrotendinous Xanthomatosis and no experimental evidence demonstrating an impact on protein function has been reported. The following publication has been ascertained in the context of this evaluation (PMID: 34103343). Two submitters have cited clinical-significance assessments for this variant to ClinVar after 2014. All submitters classified the variant as uncertain significance. Based on the evidence outlined above, the variant was classified as uncertain significance.

Labcorp Genetics (formerly Invitae), Labcorp
Classification: Uncertain significance for Cholestanol storage disease. Last evaluated: 2022-10-25. Review status: criteria provided, single submitter. Criteria: Invitae Variant Classification Sherloc (09022015). Collection method: clinical testing. Allele origin: germline.
Comment: This sequence change replaces phenylalanine, which is neutral and non-polar, with cysteine, which is neutral and slightly polar, at codon 68 of the CYP27A1 protein (p.Phe68Cys). This variant is present in population databases (rs587780327, gnomAD 0.0009%). This variant has not been reported in the literature in individuals affected with CYP27A1-related conditions. ClinVar contains an entry for this variant (Variation ID: 128883). Advanced modeling of protein sequence and biophysical properties (such as structural, functional, and spatial information, amino acid conservation, physicochemical variation, residue mobility, and thermodynamic stability) performed at Invitae indicates that this missense variant is not expected to disrupt CYP27A1 protein function. In summary, the available evidence is currently insufficient to determine the role of this variant in disease. Therefore, it has been classified as a Variant of Uncertain Significance.

Genetic Services Laboratory, University of Chicago
Classification: Uncertain significance. Last evaluated: 2014-03-06. Review status: criteria provided, single submitter. Criteria: ACMG Guidelines, 2007. Collection method: clinical testing. Allele origin: germline. Inheritance: Autosomal recessive inheritance.

Counsyl
Classification: Uncertain significance for Cholestanol storage disease. Last evaluated: 2016-12-23. Review status: no assertion criteria provided. Collection method: clinical testing. Allele origin: unknown. Not counted in ClinVar's aggregate classification.

Literature cited by the submitters: PubMed 34103343 (cited by Women's Health and Genetics/Laboratory Corporation of America, LabCorp).